The following is an entry in ClinVar:

ClinVar aggregate classification (germline): Uncertain significance (1 of 4 stars; one submission).

Submission:

Labcorp Genetics (formerly Invitae), Labcorp
Classification: Uncertain significance. Last evaluated: 2025-05-01. Review status: criteria provided, single submitter. Criteria: Invitae Variant Classification Sherloc (09022015). Collection method: clinical testing. Allele origin: germline.
Comment: This sequence change replaces glutamine, which is neutral and polar, with arginine, which is basic and polar, at codon 477 of the COL8A2 protein (p.Gln477Arg). This variant is not present in population databases (gnomAD no frequency). This variant has not been reported in the literature in individuals affected with COL8A2-related conditions. Experimental studies and prediction algorithms are not available or were not evaluated, and the functional significance of this variant is currently unknown. In summary, the available evidence is currently insufficient to determine the role of this variant in disease. Therefore, it has been classified as a Variant of Uncertain Significance.

NM_005202.4(COL8A2):c.1430A>G (p.Gln477Arg)

Gene: COL8A2 (collagen type VIII alpha 2 chain; minus strand). Cytogenetic location: 1p34.3.
Variant type: single nucleotide variant.
Coding change: c.1430A>G on transcript NM_005202.4 (MANE Select); coding-DNA position 1430, A replaced by G.
Protein change: p.Gln477Arg; replaces glutamine 477 with arginine.
Molecular consequence: missense variant.
Genome position (GRCh38, 1-based): chr1:36,098,251, T>C on the plus strand (A>G on the coding strand, the complement: COL8A2 is on the minus strand). VCF-style: chr1-36098251-T-C. GRCh37 (hg19) VCF-style: chr1-36563852-T-C.
Other names: c.1235A>G, p.Gln412Arg (NM_001294347.2); short protein forms Q412R, Q477R.
Identifiers: ClinVar variation 4761633 (VCV004761633.1).
Genomic context (GRCh38, chr1:36,098,251, plus strand): 5'-GCTCTCCCCTCTCCAGGGGGCCCTGGCAGGCCTGGTTCCCCCTTCAGGCCCGGCAGGCCT[T>C]GGGGCCCAATAGGGCCAGCTGGACCCTGGAGTCCTGGGATTCCTGAGGGACCCCTCAGGC-3'
Protein context (NP_005193.1, residues 467-487): LQGPAGPIGP[Gln477Arg]GLPGLKGEPG